The following is an entry in ClinVar:

NM_001018115.3(FANCD2):c.3472C>T (p.Leu1158Phe)

Genes: FANCD2 (FA complementation group D2; plus strand), FANCD2OS (FANCD2 opposite strand; minus strand). Cytogenetic location: 3p25.3.
Variant type: single nucleotide variant.
Coding change: c.3472C>T on transcript NM_001018115.3 (MANE Select); coding-DNA position 3472, C replaced by T.
Protein change: p.Leu1158Phe; replaces leucine 1158 with phenylalanine.
Molecular consequence: missense variant. On other transcripts: intron variant (1).
Genome position (GRCh38, 1-based): chr3:10,088,454, C>T. VCF-style: chr3-10088454-C-T. GRCh37 (hg19) VCF-style: chr3-10130138-C-T.
Other names: c.3472C>T, p.Leu1158Phe (NM_001319984.2, NM_001374254.1, NM_033084.6); c.3361C>T, p.Leu1121Phe (NM_001374253.1); c.*44-6923G>A (NM_173472.2); short protein forms L1158F, L1121F.
Identifiers: ClinVar variation 3671476 (VCV003671476.1).

ClinVar aggregate classification (germline): Uncertain significance (1 of 4 stars; one submission).

Conditions:
Fanconi anemia (FA). Also called: Fanconi's anemia. Identifiers: Orphanet 84, MedGen C0015625, MeSH D005199, MONDO:0019391.

gnomAD v4.1: 11 of 1,604,318 alleles (0.00069%); highest among the groups gnomAD compares: African/African-American, 0.0013%; no homozygotes.

Submission:

Labcorp Genetics (formerly Invitae), Labcorp
Classification: Uncertain significance for Fanconi anemia. Last evaluated: 2024-11-05. Review status: criteria provided, single submitter. Criteria: Invitae Variant Classification Sherloc (09022015). Collection method: clinical testing. Allele origin: germline.
Comment: This sequence change replaces leucine, which is neutral and non-polar, with phenylalanine, which is neutral and non-polar, at codon 1158 of the FANCD2 protein (p.Leu1158Phe). This variant is present in population databases (rs747786350, gnomAD 0.002%). This variant has not been reported in the literature in individuals affected with FANCD2-related conditions. Invitae Evidence Modeling of protein sequence and biophysical properties (such as structural, functional, and spatial information, amino acid conservation, physicochemical variation, residue mobility, and thermodynamic stability) indicates that this missense variant is expected to disrupt FANCD2 protein function with a positive predictive value of 80%. In summary, the available evidence is currently insufficient to determine the role of this variant in disease. Therefore, it has been classified as a Variant of Uncertain Significance.